The following is an entry in ClinVar:

ClinVar aggregate classification (germline): Uncertain significance (1 of 4 stars; one submission).

Conditions:
Hereditary cancer-predisposing syndrome. Also called: Neoplastic Syndromes, Hereditary; Tumor predisposition; Hereditary neoplastic syndrome; Hereditary Cancer Syndrome. Identifiers: Orphanet 140162, MedGen C0027672, MeSH D009386, MONDO:0015356.

Submission:

Ambry Genetics
Classification: Uncertain significance for Hereditary cancer-predisposing syndrome. Last evaluated: 2026-07-07. Review status: criteria provided, single submitter. Criteria: Ambry Variant Classification Scheme 2023. Collection method: clinical testing. Allele origin: germline.
Comment: The p.R48G variant (also known as c.142A>G), located in coding exon 2 of the CDH1 gene, results from an A to G substitution at nucleotide position 142. The arginine at codon 48 is replaced by glycine, an amino acid with dissimilar properties. This amino acid position is conserved. In addition, this alteration is predicted to be tolerated by in silico analysis. Based on the available evidence, the clinical significance of this variant remains unclear.

NM_004360.5(CDH1):c.142A>G (p.Arg48Gly)

Gene: CDH1 (cadherin 1; plus strand). Cytogenetic location: 16q22.1.
Variant type: single nucleotide variant.
Coding change: c.142A>G on transcript NM_004360.5 (MANE Select); coding-DNA position 142, A replaced by G.
Protein change: p.Arg48Gly; replaces arginine 48 with glycine.
Molecular consequence: missense variant. On other transcripts: 5 prime UTR variant (2).
Genome position (GRCh38, 1-based): chr16:68,738,390, A>G. VCF-style: chr16-68738390-A-G. GRCh37 (hg19) VCF-style: chr16-68772293-A-G.
Other names: c.142A>G, p.Arg48Gly (NM_001317184.2); c.-1474A>G (NM_001317185.2); c.-1678A>G (NM_001317186.2); short protein forms R48G.
Identifiers: ClinVar variation 5033957 (VCV005033957.1).
Genomic context (GRCh38, chr16:68,738,390, plus strand): 5'-TGCCACCCTGGCTTTGACGCCGAGAGCTACACGTTCACGGTGCCCCGGCGCCACCTGGAG[A>G]GAGGCCGCGTCCTGGGCAGAGGTGAGGGCGCGCTGCCGGTGTCCCTGGGCGGAGTAGGGA-3'
Protein context (NP_004351.1, residues 38-58): TFTVPRRHLE[Arg48Gly]GRVLGRVNFE